The following is an entry in ClinVar:

NM_006767.4(LZTR1):c.1033G>A (p.Glu345Lys)

Gene: LZTR1 (leucine zipper like post translational regulator 1; plus strand). Cytogenetic location: 22q11.21.
Variant type: single nucleotide variant.
Coding change: c.1033G>A on transcript NM_006767.4 (MANE Select); coding-DNA position 1033, G replaced by A.
Protein change: p.Glu345Lys; replaces glutamic acid 345 with lysine.
Molecular consequence: missense variant.
Genome position (GRCh38, 1-based): chr22:20,992,253, G>A. VCF-style: chr22-20992253-G-A. GRCh37 (hg19) VCF-style: chr22-21346542-G-A.
Other names: short protein forms E345K.
Identifiers: ClinVar variation 1771891 (VCV001771891.8), dbSNP rs761956867, ClinGen allele CA10118704.

ClinVar aggregate classification (germline): Uncertain significance. Review status: criteria provided, multiple submitters, no conflicts (2 of 4 stars). 2 submissions from 2 submitters: Uncertain significance (2). Last evaluated 2025-11-23.

Conditions:
Cardiovascular phenotype. Identifiers: MedGen CN230736.
Hereditary cancer-predisposing syndrome. Also called: Hereditary Cancer Syndrome; Hereditary neoplastic syndrome; Neoplastic Syndromes, Hereditary; Tumor predisposition. Identifiers: Orphanet 140162, MedGen C0027672, MeSH D009386, MONDO:0015356.

Allele frequency attached by ClinVar (database versions not stated): TOPMed below 0.00001; ExAC 0.00001; gnomAD 0.00001.
gnomAD v4.1: 4 of 1,613,868 alleles (0.00025%); highest among the groups gnomAD compares: Admixed American, 0.005%; no homozygotes.

Submissions (2):

Ambry Genetics
Classification: Uncertain significance for Cardiovascular phenotype; Hereditary cancer-predisposing syndrome. Last evaluated: 2025-11-23. Review status: criteria provided, single submitter. Criteria: Ambry Variant Classification Scheme 2023. Collection method: clinical testing. Allele origin: germline.
Comment: The p.E345K variant (also known as c.1033G>A), located in coding exon 10 of the LZTR1 gene, results from a G to A substitution at nucleotide position 1033. The glutamic acid at codon 345 is replaced by lysine, an amino acid with similar properties. This amino acid position is conserved. In addition, this alteration is predicted to be tolerated by in silico analysis. Since supporting evidence is limited at this time, the clinical significance of this alteration remains unclear.

Labcorp Genetics (formerly Invitae), Labcorp
Classification: Uncertain significance. Last evaluated: 2025-07-08. Review status: criteria provided, single submitter. Criteria: Invitae Variant Classification Sherloc (09022015). Collection method: clinical testing. Allele origin: germline.
Comment: This sequence change replaces glutamic acid, which is acidic and polar, with lysine, which is basic and polar, at codon 345 of the LZTR1 protein (p.Glu345Lys). This variant is present in population databases (rs761956867, gnomAD 0.009%). This variant has not been reported in the literature in individuals affected with LZTR1-related conditions. ClinVar contains an entry for this variant (Variation ID: 1771891). Invitae Evidence Modeling of protein sequence and biophysical properties (such as structural, functional, and spatial information, amino acid conservation, physicochemical variation, residue mobility, and thermodynamic stability) indicates that this missense variant is not expected to disrupt LZTR1 protein function with a negative predictive value of 80%. In summary, the available evidence is currently insufficient to determine the role of this variant in disease. Therefore, it has been classified as a Variant of Uncertain Significance.